The following is an entry in ClinVar:

ClinVar aggregate classification (germline): Uncertain significance. Review status: criteria provided, multiple submitters, no conflicts (2 of 4 stars). 5 submissions from 5 submitters: Uncertain significance (5). Last evaluated 2025-10-29.

Conditions:
Inborn genetic diseases. Identifiers: MedGen C0950123, MeSH D030342.
Marinesco-Sjögren syndrome (MSS). Also called: Marinesco-Sjogren Syndrome; Marinesco-SjÃ¶gren syndrome. Identifiers: Orphanet 559, MedGen C0024814, MONDO:0009567, OMIM 248800.

Allele frequency attached by ClinVar (database versions not stated): gnomAD exomes 0.00005 and 0.00006; ExAC 0.00008; TOPMed 0.00009; gnomAD 0.00010 and 0.00011.
gnomAD v4.1: 108 of 1,608,644 alleles (0.0067%); highest among the groups gnomAD compares: Non-Finnish European, 0.0086%; no homozygotes.

Submissions (5):

Athena Diagnostics
Classification: Uncertain significance. Last evaluated: 2025-10-29. Review status: criteria provided, single submitter. Criteria: Athena Diagnostics Criteria. Collection method: clinical testing. Allele origin: unknown.
Comment: Available data are insufficient to determine the clinical significance of the variant at this time. The frequency of this variant in the general population is uninformative in assessment of its pathogenicity. Polyphen and MutationTaster predict this amino acid change may be benign.

Ambry Genetics
Classification: Uncertain significance for Inborn genetic diseases. Last evaluated: 2024-01-24. Review status: criteria provided, single submitter. Criteria: Ambry Variant Classification Scheme 2023. Collection method: clinical testing. Allele origin: germline.

Revvity Omics, Revvity
Classification: Uncertain significance for Marinesco-Sjögren syndrome. Last evaluated: 2022-05-13. Review status: criteria provided, single submitter. Criteria: ACMG Guidelines, 2015. Collection method: clinical testing. Allele origin: germline.

Labcorp Genetics (formerly Invitae), Labcorp
Classification: Uncertain significance for Marinesco-Sjögren syndrome. Last evaluated: 2021-10-13. Review status: criteria provided, single submitter. Criteria: Invitae Variant Classification Sherloc (09022015). Collection method: clinical testing. Allele origin: germline.
Comment: This sequence change replaces leucine, which is neutral and non-polar, with valine, which is neutral and non-polar, at codon 35 of the SIL1 protein (p.Leu35Val). This variant is present in population databases (rs759591537, gnomAD 0.02%). This variant has not been reported in the literature in individuals affected with SIL1-related conditions. ClinVar contains an entry for this variant (Variation ID: 195373). Algorithms developed to predict the effect of missense changes on protein structure and function (SIFT, PolyPhen-2, Align-GVGD) all suggest that this variant is likely to be tolerated. In summary, the available evidence is currently insufficient to determine the role of this variant in disease. Therefore, it has been classified as a Variant of Uncertain Significance.

Eurofins Ntd Llc (ga)
Classification: Uncertain significance. Last evaluated: 2015-06-02. Review status: criteria provided, single submitter. Criteria: EGL Classification Definitions 2015. Collection method: clinical testing. Allele origin: germline. Observed: 1 variant allele, 1 heterozygote.

NM_022464.5(SIL1):c.103C>G (p.Leu35Val)

Gene: SIL1 (SIL1 nucleotide exchange factor; minus strand). Cytogenetic location: 5q31.2.
Variant type: single nucleotide variant.
Coding change: c.103C>G on transcript NM_022464.5 (MANE Select); coding-DNA position 103, C replaced by G.
Protein change: p.Leu35Val; replaces leucine 35 with valine.
Molecular consequence: missense variant.
Genome position (GRCh38, 1-based): chr5:139,127,741, G>C on the plus strand (C>G on the coding strand, the complement: SIL1 is on the minus strand). VCF-style: chr5-139127741-G-C. GRCh37 (hg19) VCF-style: chr5-138463430-G-C.
Other names: c.103C>G, p.Leu35Val (NM_001037633.2); c.103C>G (NM_022464.4); short protein forms L35V.
Identifiers: ClinVar variation 195373 (VCV000195373.14), dbSNP rs759591537, ClinGen allele CA241793.